The following is an entry in ClinVar:

NM_000051.4(ATM):c.5763-17_5763-16del

Genes: ATM (ATM serine/threonine kinase; plus strand), C11orf65 (chromosome 11 open reading frame 65; minus strand). Cytogenetic location: 11q22.3.
Variant type: Microsatellite.
Coding change: c.5763-17_5763-16del on transcript NM_000051.4 (MANE Select); 17 bases into the intron before coding-DNA position 5763 through 16 bases into the intron before coding-DNA position 5763, 2 bases deleted (AT; older notation c.5763-17_5763-16delAT).
Molecular consequence: intron variant.
Genome position (GRCh38, 1-based): chr11:108,310,143-108,310,144, AT deleted; deleting any 2 consecutive bases within chr11:108,310,140-108,310,144 gives the same sequence; the c. name uses the placement nearest the transcript's 3' end. VCF-style (leftmost placement, unchanged base first): chr11-108310139-TTA-T. GRCh37 (hg19) VCF-style: chr11-108180866-TTA-T.
Other names: c.5763-17_5763-16del (NM_001351834.2); c.641-1070_641-1069del (NM_001330368.2); c.*39-1070_*39-1069del (NM_001351110.2); c.5763-17_5763-16delAT (NM_000051.3).
Identifiers: ClinVar variation 418037 (VCV000418037.13), dbSNP rs1064793040, ClinGen allele CA16619202.

ClinVar aggregate classification (germline): Likely benign. Review status: criteria provided, multiple submitters, no conflicts (2 of 4 stars). 4 submissions from 4 submitters: Likely benign (4). Last evaluated 2025-12-29.

Conditions:
Hereditary cancer-predisposing syndrome. Also called: Neoplastic Syndromes, Hereditary; Hereditary Cancer Syndrome; Tumor predisposition; Hereditary neoplastic syndrome. Identifiers: Orphanet 140162, MedGen C0027672, MeSH D009386, MONDO:0015356.
Familial cancer of breast. Also called: Hereditary breast cancer; BREAST CANCER, FAMILIAL; hereditary breast carcinoma. Identifiers: Orphanet 227535, MedGen C0346153, MONDO:0016419, OMIM 114480. Disease mechanism: loss of function.
Ataxia-telangiectasia syndrome (AT). Also called: LOUIS-BAR SYNDROME; Cerebello-oculocutaneous telangiectasia; Immunodeficiency with ataxia telangiectasia; Ataxia-telangiectasia, complementation group D; AT, COMPLEMENTATION GROUP C; Ataxia-telangiectasia, complementation group E. Identifiers: Orphanet 100, MedGen C0004135, MONDO:0008840, OMIM 208900.

Submissions (4):

Labcorp Genetics (formerly Invitae), Labcorp
Classification: Likely benign for Ataxia-telangiectasia syndrome. Last evaluated: 2025-12-29. Review status: criteria provided, single submitter. Criteria: Invitae Variant Classification Sherloc (09022015). Collection method: clinical testing. Allele origin: germline.

Myriad Genetics, Inc.
Classification: Likely benign for Familial cancer of breast. Last evaluated: 2024-05-24. Review status: criteria provided, single submitter. Criteria: Myriad Autosomal Dominant, Autosomal Recessive and X-Linked Classification Criteria (2023). Collection method: clinical testing. Allele origin: unknown.
Comment: This variant is considered likely benign. This variant is intronic and is not expected to impact mRNA splicing.

Color Diagnostics, LLC DBA Color Health
Classification: Likely benign for Hereditary cancer-predisposing syndrome. Last evaluated: 2018-10-11. Review status: criteria provided, single submitter. Criteria: ACMG Guidelines, 2015. Collection method: clinical testing. Allele origin: germline.

GeneDx
Classification: Likely benign. Last evaluated: 2016-02-22. Review status: criteria provided, single submitter. Criteria: GeneDx Variant Classification (06012015). Collection method: clinical testing. Allele origin: germline. Affected: yes.
Comment: This variant is considered likely benign or benign based on one or more of the following criteria: it is a conservative change, it occurs at a poorly conserved position in the protein, it is predicted to be benign by multiple in silico algorithms, and/or has population frequency not consistent with disease.